The following is an entry in ClinVar:

NM_001366110.1(PAX4):c.413C>T (p.Pro138Leu)

Gene: PAX4 (paired box 4; minus strand). Cytogenetic location: 7q32.1.
Variant type: single nucleotide variant.
Coding change: c.413C>T on transcript NM_001366110.1 (MANE Select); coding-DNA position 413, C replaced by T.
Protein change: p.Pro138Leu; replaces proline 138 with leucine.
Molecular consequence: missense variant.
Genome position (GRCh38, 1-based): chr7:127,614,505, G>A on the plus strand (C>T on the coding strand, the complement: PAX4 is on the minus strand). VCF-style: chr7-127614505-G-A. GRCh37 (hg19) VCF-style: chr7-127254559-G-A.
Other names: c.413C>T, p.Pro138Leu (NM_001366111.1); short protein forms P138L.
Identifiers: ClinVar variation 4752509 (VCV004752509.1).

ClinVar aggregate classification (germline): Uncertain significance (1 of 4 stars; one submission).

Submission:

Labcorp Genetics (formerly Invitae), Labcorp
Classification: Uncertain significance. Last evaluated: 2025-12-25. Review status: criteria provided, single submitter. Criteria: Invitae Variant Classification Sherloc (09022015). Collection method: clinical testing. Allele origin: germline.
Comment: This sequence change replaces proline, which is neutral and non-polar, with leucine, which is neutral and non-polar, at codon 130 of the PAX4 protein (p.Pro130Leu). The frequency data for this variant in the population databases is considered unreliable, as metrics indicate poor data quality at this position in the gnomAD database. This variant has not been reported in the literature in individuals affected with PAX4-related conditions. An algorithm developed to predict the effect of missense changes on protein structure and function (PolyPhen-2) suggests that this variant is likely to be tolerated. In summary, the available evidence is currently insufficient to determine the role of this variant in disease. Therefore, it has been classified as a Variant of Uncertain Significance.